The following is an entry in ClinVar:

NM_001134831.2(AHI1):c.2725C>T (p.Gln909Ter)

Gene: AHI1 (Abelson helper integration site 1; minus strand). Cytogenetic location: 6q23.3.
Variant type: single nucleotide variant.
Coding change: c.2725C>T on transcript NM_001134831.2 (MANE Select); coding-DNA position 2725, C replaced by T.
Protein change: p.Gln909Ter; replaces glutamine 909 with a stop codon.
Molecular consequence: nonsense.
Genome position (GRCh38, 1-based): chr6:135,427,206, G>A on the plus strand (C>T on the coding strand, the complement: AHI1 is on the minus strand). VCF-style: chr6-135427206-G-A. GRCh37 (hg19) VCF-style: chr6-135748344-G-A.
Other names: c.2725C>T, p.Gln909Ter (NM_001134830.2, NM_001134832.2, NM_001350503.2 and 2 more transcripts); short protein forms Q909*.
Identifiers: ClinVar variation 5014256 (VCV005014256.1).

ClinVar aggregate classification (germline): Pathogenic (1 of 4 stars; one submission).

Conditions:
Joubert syndrome 3 (JBTS3). Also called: AHI1-related Ciliopathy. Identifiers: Orphanet 220493, MedGen C1837713, MONDO:0012078, OMIM 608629.

Submission:

Myriad Genetics, Inc.
Classification: Pathogenic for Joubert syndrome 3. Last evaluated: 2025-03-24. Review status: criteria provided, single submitter. Criteria: Myriad Autosomal Dominant, Autosomal Recessive and X-Linked Classification Criteria (2023). Collection method: clinical testing. Allele origin: unknown.
Comment: NM_001134831.1(AHI1):c.2725C>T(Q909*) is expected to be pathogenic in the context of Joubert syndrome, AHI1-related. This variant is predicted to lead to an abnormal or absent protein product due to the creation of a premature termination codon in AHI1, a gene where loss-of-function variants are known to be pathogenic. Please note: this variant was assessed in the context of healthy population screening.